The following is an entry in ClinVar:

ClinVar aggregate classification (germline): Uncertain significance. Review status: criteria provided, multiple submitters, no conflicts (2 of 4 stars). 2 submissions from 2 submitters: Uncertain significance (2). Last evaluated 2024-04-26.

Conditions:
Dyskeratosis congenita. Identifiers: Orphanet 1775, MedGen C0265965, MONDO:0015780.

Submissions (2):

Blueprint Genetics
Classification: Uncertain significance. Last evaluated: 2024-04-26. Review status: criteria provided, single submitter. Criteria: ACMG Guidelines, 2015. Collection method: clinical testing. Allele origin: germline.

Labcorp Genetics (formerly Invitae), Labcorp
Classification: Uncertain significance for Dyskeratosis congenita. Last evaluated: 2022-07-11. Review status: criteria provided, single submitter. Criteria: Invitae Variant Classification Sherloc (09022015). Collection method: clinical testing. Allele origin: germline.
Comment: Algorithms developed to predict the effect of sequence changes on RNA splicing suggest that this variant may disrupt the consensus splice site. ClinVar contains an entry for this variant (Variation ID: 945053). This variant has not been reported in the literature in individuals affected with TINF2-related conditions. This variant is not present in population databases (gnomAD no frequency). This sequence change creates a premature translational stop signal (p.His86Leufs*50) in the TINF2 gene. It is expected to result in an absent or disrupted protein product. However, the current clinical and genetic evidence is not sufficient to establish whether loss-of-function variants in TINF2 cause disease. In summary, the available evidence is currently insufficient to determine the role of this variant in disease. Therefore, it has been classified as a Variant of Uncertain Significance.

NM_001099274.3(TINF2):c.257_258del (p.His86fs)

Gene: TINF2 (TERF1 interacting nuclear factor 2; minus strand). Cytogenetic location: 14q12.
Variant type: Deletion.
Coding change: c.257_258del on transcript NM_001099274.3 (MANE Select); coding-DNA positions 257 to 258, 2 bases deleted (AC; older notation c.257_258delAC).
Protein change: p.His86fs; shifts the reading frame from histidine 86.
Molecular consequence: frameshift variant. On other transcripts: intron variant (1).
Genome position (GRCh38, 1-based): chr14:24,241,929-24,241,930, GT deleted on the plus strand (AC on the coding strand, the reverse complement: TINF2 is on the minus strand); deleting any 2 consecutive bases within chr14:24,241,929-24,241,931 gives the same sequence; the c. name uses the placement nearest the transcript's 3' end. VCF-style (leftmost placement, unchanged base first): chr14-24241928-AGT-A. GRCh37 (hg19) VCF-style: chr14-24711134-AGT-A.
Other names: c.257_258del, p.His86fs (NM_012461.3); c.193-154_193-153del (NM_001363668.2); short protein forms H86fs.
Identifiers: ClinVar variation 945053 (VCV000945053.8), dbSNP rs2040589135, ClinGen allele CA485782428.